The following is an entry in ClinVar:

ClinVar aggregate classification (germline): Uncertain significance (1 of 4 stars; one submission).

Conditions:
Neurofibromatosis, type 1 (NF1). Also called: VON RECKLINGHAUSEN DISEASE; Peripheral type neurofibromatosis; NEUROFIBROMATOSIS, TYPE I, SOMATIC; Neurofibromatosis, type I. Identifiers: Orphanet 636, MedGen C0027831, MONDO:0018975, OMIM 162200. Disease mechanism: loss of function.

Submission:

Labcorp Genetics (formerly Invitae), Labcorp
Classification: Uncertain significance for Neurofibromatosis, type 1. Last evaluated: 2024-02-06. Review status: criteria provided, single submitter. Criteria: Invitae Variant Classification Sherloc (09022015). Collection method: clinical testing. Allele origin: germline.
Comment: This sequence change falls in intron 36 of the NF1 gene. It does not directly change the encoded amino acid sequence of the NF1 protein. It affects a nucleotide within the consensus splice site. This variant is not present in population databases (gnomAD no frequency). This variant has not been reported in the literature in individuals affected with NF1-related conditions. Variants that disrupt the consensus splice site are a relatively common cause of aberrant splicing (PMID: 17576681, 9536098). Algorithms developed to predict the effect of sequence changes on RNA splicing suggest that this variant may disrupt the consensus splice site. In summary, the available evidence is currently insufficient to determine the role of this variant in disease. Therefore, it has been classified as a Variant of Uncertain Significance.

Literature cited by the submitters: PubMed 17576681; PubMed 9536098.

NM_001042492.3(NF1):c.5268+4dup

Gene: NF1 (neurofibromin 1; plus strand). Cytogenetic location: 17q11.2.
Variant type: Duplication.
Coding change: c.5268+4dup on transcript NM_001042492.3 (MANE Select); 4 bases into the intron after coding-DNA position 5268, one base duplicated (A; older notation c.5268+4dupA).
Molecular consequence: intron variant.
Genome position (GRCh38, 1-based): chr17:31,326,256, A duplicated; the last of 2 consecutive A bases (chr17:31,326,255-31,326,256); duplicating either gives the same sequence. VCF-style (leftmost placement, unchanged base first): chr17-31326254-T-TA. GRCh37 (hg19) VCF-style: chr17-29653272-T-TA.
Other names: c.5205+4dup (NM_000267.4).
Identifiers: ClinVar variation 3639219 (VCV003639219.2).